The following is an entry in ClinVar:

NM_013444.4(UBQLN2):c.1497_1550del (p.Ile501_Pro518del)

Gene: UBQLN2 (ubiquilin 2; plus strand). Cytogenetic location: Xp11.21.
Variant type: Deletion.
Coding change: c.1497_1550del on transcript NM_013444.4 (MANE Select); coding-DNA positions 1497 to 1550, 54 bases deleted.
Protein change: p.Ile501_Pro518del.
Molecular consequence: inframe deletion.
Genome position (GRCh38, 1-based): chrX:56,565,370-56,565,423, 54 bases deleted. GRCh37 (hg19): chrX:56,591,803-56,591,856.
Identifiers: ClinVar variation 3346335 (VCV003346335.1).

ClinVar aggregate classification (germline): Uncertain significance (0 of 4 stars; one submission).

Conditions:
UBQLN2-related disorder. Also called: UBQLN2-related condition.

Submission:

PreventionGenetics, part of Exact Sciences
Classification: Uncertain significance for UBQLN2-related condition. Last evaluated: 2024-08-05. Review status: no assertion criteria provided. Collection method: clinical testing. Allele origin: germline.
Comment: The UBQLN2 c.1497_1550del54 variant is predicted to result in an in-frame deletion (p.Ile501_Pro518del). To our knowledge, this variant has not been reported in the literature or in a large population database, indicating this variant is rare. At this time, the clinical significance of this variant is uncertain due to the absence of conclusive functional and genetic evidence.